The following is an entry in ClinVar:

NM_014055.4(IFT81):c.1940A>G (p.Glu647Gly)

Gene: IFT81 (intraflagellar transport 81; plus strand). Cytogenetic location: 12q24.11.
Variant type: single nucleotide variant.
Coding change: c.1940A>G on transcript NM_014055.4 (MANE Select); coding-DNA position 1940, A replaced by G.
Protein change: p.Glu647Gly; replaces glutamic acid 647 with glycine.
Molecular consequence: missense variant. On other transcripts: non-coding transcript variant (4).
Genome position (GRCh38, 1-based): chr12:110,218,135, A>G. VCF-style: chr12-110218135-A-G. GRCh37 (hg19) VCF-style: chr12-110655940-A-G.
Other names: c.1940A>G, p.Glu647Gly (NM_001143779.2); c.1010A>G, p.Glu337Gly (NM_001347947.2, NM_001347948.2); short protein forms E337G, E647G.
Identifiers: ClinVar variation 1061199 (VCV001061199.9), dbSNP rs939019441, ClinGen allele CA243933523.
Genomic context (GRCh38, chr12:110,218,135, plus strand): 5'-AAAGTCATGGTCCAAATATGAAACAAGCAAAAATGTGGCGTGATTTGGAACAATTAATGG[A>G]ATGTAAGAAACAGTGCTTTCTGAAACAACAAAGCCAAACTTCCATTGGTCAGGTAATTCA-3'
Protein context (NP_054774.2, residues 637-657): KMWRDLEQLM[Glu647Gly]CKKQCFLKQQ

ClinVar aggregate classification (germline): Uncertain significance (1 of 4 stars; one submission).

Allele frequency attached by ClinVar (database versions not stated): gnomAD 0.00001; gnomAD exomes 0.00001 and 0.00003; TOPMed 0.00001.
gnomAD v4.1: 39 of 1,599,532 alleles (0.0024%); highest among the groups gnomAD compares: Non-Finnish European, 0.003%; no homozygotes.

Submission:

Labcorp Genetics (formerly Invitae), Labcorp
Classification: Uncertain significance. Last evaluated: 2024-03-30. Review status: criteria provided, single submitter. Criteria: Invitae Variant Classification Sherloc (09022015). Collection method: clinical testing. Allele origin: germline.
Comment: This sequence change replaces glutamic acid, which is acidic and polar, with glycine, which is neutral and non-polar, at codon 647 of the IFT81 protein (p.Glu647Gly). The frequency data for this variant in the population databases is considered unreliable, as metrics indicate poor data quality at this position in the gnomAD database. This variant has not been reported in the literature in individuals affected with IFT81-related conditions. ClinVar contains an entry for this variant (Variation ID: 1061199). Advanced modeling of protein sequence and biophysical properties (such as structural, functional, and spatial information, amino acid conservation, physicochemical variation, residue mobility, and thermodynamic stability) performed at Invitae indicates that this missense variant is expected to disrupt IFT81 protein function with a positive predictive value of 80%. In summary, the available evidence is currently insufficient to determine the role of this variant in disease. Therefore, it has been classified as a Variant of Uncertain Significance.